The following is an entry in ClinVar:

ClinVar aggregate classification (germline): Uncertain significance. Review status: reviewed by expert panel (3 of 4 stars). 3 submissions from 3 submitters: Uncertain significance (1). 2 of the submissions do not count toward it. Last evaluated 2025-04-07.

Conditions:
Monogenic diabetes. Identifiers: Orphanet 183625, MedGen C3888631, MONDO:0015967.

Submissions (3):

ClinGen Monogenic Diabetes Variant Curation Expert Panel
Classification: Uncertain significance for Monogenic diabetes. Last evaluated: 2025-04-07. Review status: reviewed by expert panel. Criteria: ClinGen Diabetes ACMG Specifications HNF4A V2.0.0. Collection method: curation. Allele origin: germline. Inheritance: Autosomal dominant inheritance.
Comment: The c.881A>G variant in the hepatocyte nuclear factor 4-alpha gene, HNF4A, causes an amino acid change of glutamine to arginine at codon 294 (p.(Gln294Arg)) of NM_175914.5. This variant is absent from gnomAD v2.1.1 and v4.1 (PM2_Supporting). This variant is predicted to be deleterious by computational evidence, with a REVEL score of 0.948, which is greater than the MDEP VCEP threshold of 0.70 (PP3). This variant was identified in an individual with diabetes; however, MODY probability cannot be calculated due to lack of clinical information (internal lab contributors). Another missense variant at the same codon, c.881A>C (p.Gln294Pro) has been classified as a VUS by the ClinGen MDEP; therefore, PM5 will not be applied. In summary, c.881A>G meets the criteria to be classified as a variant of uncertain significance for monogenic diabetes. ACMG/AMP criteria applied, as specified by the ClinGen MDEP (specification version 2.0.0, approved 10/11/2023): PM2_Supporting, PP3.

GeneDx
Classification: Uncertain significance. Last evaluated: 2025-02-19. Review status: criteria provided, single submitter. Criteria: GeneDx Variant Classification Process June 2021. Collection method: clinical testing. Allele origin: germline. Affected: yes. Not counted in ClinVar's aggregate classification.
Comment: Not observed at significant frequency in large population cohorts (gnomAD); In silico analysis supports that this missense variant has a deleterious effect on protein structure/function; Has not been previously published as pathogenic or benign to our knowledge

Women's Health and Genetics/Laboratory Corporation of America, LabCorp
Classification: Uncertain significance. Last evaluated: 2024-01-17. Review status: criteria provided, single submitter. Criteria: LabCorp Variant Classification Summary - May 2015. Collection method: clinical testing. Allele origin: germline. Not counted in ClinVar's aggregate classification.
Comment: Variant summary: HNF4A c.881A>G (p.Gln294Arg) results in a conservative amino acid change located in the nuclear hormone receptor, ligand-binding domain (IPR000536) of the encoded protein sequence. Four of five in-silico tools predict a damaging effect of the variant on protein function. The variant was absent in 248284 control chromosomes (gnomAD). The available data on variant occurrences in the general population are insufficient to allow any conclusion about variant significance. To our knowledge, no occurrence of c.881A>G in individuals affected with Maturity Onset Diabetes Of The Young 1/Neonatal Diabetes Mellitus and no experimental evidence demonstrating its impact on protein function have been reported. No submitters have cited clinical-significance assessments for this variant to ClinVar. Based on the evidence outlined above, the variant was classified as uncertain significance.

NM_175914.5(HNF4A):c.881A>G (p.Gln294Arg)

Gene: HNF4A (hepatocyte nuclear factor 4 alpha; plus strand). Cytogenetic location: 20q13.12.
Variant type: single nucleotide variant.
Coding change: c.881A>G on transcript NM_175914.5 (MANE Select); coding-DNA position 881, A replaced by G.
Protein change: p.Gln294Arg; replaces glutamine 294 with arginine.
Molecular consequence: missense variant.
Genome position (GRCh38, 1-based): chr20:44,424,072, A>G. VCF-style: chr20-44424072-A-G. GRCh37 (hg19) VCF-style: chr20-43052712-A-G.
Other names: NM_175914.5(HNF4A):c.881A>G; p.Gln294Arg; c.947A>G, p.Gln316Arg (NM_000457.6, NM_178849.3, NM_178850.3); c.881A>G, p.Gln294Arg (NM_001030003.3, NM_001030004.3); c.926A>G, p.Gln309Arg (NM_001258355.2); c.872A>G, p.Gln291Arg (NM_001287182.2, NM_001287183.2, NM_001287184.2); c.881A>G (NM_175914.3); short protein forms Q291R, Q294R, Q309R, Q316R.
Identifiers: ClinVar variation 3063964 (VCV003063964.2), dbSNP rs2515713849, ClinGen allele CA409108097.